The following is an entry in ClinVar:

NM_004006.3(DMD):c.6438+1G>A

Gene: DMD (dystrophin; minus strand). Cytogenetic location: Xp21.1.
Variant type: single nucleotide variant.
Coding change: c.6438+1G>A on transcript NM_004006.3 (MANE Select); the canonical splice donor site of the intron after coding-DNA position 6438, G replaced by A.
Molecular consequence: splice donor variant.
Genome position (GRCh38, 1-based): chrX:32,216,915, C>T on the plus strand (G>A on the coding strand, the complement: DMD is on the minus strand). VCF-style: chrX-32216915-C-T. GRCh37 (hg19) VCF-style: chrX-32235032-C-T.
Other names: c.6414+1G>A (NM_000109.4); c.2415+1G>A (NM_004011.4); c.2406+1G>A (NM_004012.4); c.6426+1G>A (NM_004009.3); c.6069+1G>A (NM_004010.3).
Identifiers: ClinVar variation 3391221 (VCV003391221.1).

ClinVar aggregate classification (germline): Pathogenic (1 of 4 stars; one submission).

Conditions:
Duchenne muscular dystrophy (DMD). Also called: Duchenne Muscular Dystrophy (DMD); MUSCULAR DYSTROPHY, PSEUDOHYPERTROPHIC PROGRESSIVE, DUCHENNE TYPE. Identifiers: Orphanet 98896, MedGen C0013264, MONDO:0010679, OMIM 310200.

Submission:

Neuberg Centre For Genomic Medicine, NCGM
Classification: Pathogenic for Duchenne muscular dystrophy. Last evaluated: 2023-07-22. Review status: criteria provided, single submitter. Criteria: ACMG Guidelines, 2015. Collection method: clinical testing. Allele origin: germline. Inheritance: X-linked recessive inheritance. Affected: yes.
Comment: The observed invariant splice donor c.6438+1G>A variant in DMD gene has been reported previously in heterozygous and hemizygous states in multiple individuals affected with DMD-related dystrophinopathies Zhu YB, et al., 2016. The c.6438+1G>A variant is absent in gnomAD Exomes. This variant has not been submitted to the ClinVar database. SpliceAI predicts this variant to cause splice donor loss 0.92. Loss of function variants have been previously reported to be disease causing. For these reasons, this variant has been classified as Pathogenic.